The following is an entry in ClinVar:

ClinVar aggregate classification (germline): Pathogenic. Review status: criteria provided, multiple submitters, no conflicts (2 of 4 stars). 10 submissions from 10 submitters: Pathogenic (9). 1 of the submissions does not count toward it. Last evaluated 2026-09-08.

Conditions:
Fabry disease. Also called: GLA DEFICIENCY; HEREDITARY DYSTOPIC LIPIDOSIS; Angiokeratoma corporis diffusum; Fabry's disease; ALPHA-GALACTOSIDASE A DEFICIENCY; ANDERSON-FABRY DISEASE. Identifiers: Orphanet 324, MedGen C0002986, MONDO:0010526, OMIM 301500, HP:0001071. Disease mechanism: Fabry disease is due to inactivating mutations in the X-linked GLA gene resulting in deficiency of the enzyme Alpha Galactosidase-A., loss of function.

Allele frequency attached by ClinVar (database versions not stated): TOPMed 0.00001; gnomAD 0.00001.
gnomAD v4.1: 1 of 1,210,041 alleles (0.000083%); highest among the groups gnomAD compares: Non-Finnish European, 0.00011%; no homozygotes.

Submissions (10):

Genomenon, Inc
Classification: Pathogenic for Fabry disease. Last evaluated: 2026-09-08. Review status: criteria provided, single submitter. Criteria: Genomenon Sequence Variant Interpretation Standards - Updated. Collection method: curation. Allele origin: germline. Affected: yes.
Comment: GLA p.Arg342Gln (c.1025G>A) is a missense variant that changes the amino acid at codon 342 from Arginine to Glutamine. This variant has been observed in at least one proband with clinical features consistent with Fabry disease (PMID:24334114;17160618;15806320;35338595;17206462;23566439;24626659;32793709;27585509). The variant was found to segregate with disease in at least one affected family (PMID:32793709;24626659;17206462;38002959;32843101;15806320;35338595;29098401;23566439;33598617;27585509). At least one functional study has demonstrated a substantial alteration in protein function relative to the wild-type (PMID:32023956;21598360;27657681). It is absent or not present at a significant frequency in gnomAD. In silico models predict that this variant is possibly or probably damaging. In conclusion, we classify GLA p.Arg342Gln (c.1025G>A) as a pathogenic variant.

Labcorp Genetics (formerly Invitae), Labcorp
Classification: Pathogenic for Fabry disease. Last evaluated: 2025-12-03. Review status: criteria provided, single submitter. Criteria: Invitae Variant Classification Sherloc (09022015). Collection method: clinical testing. Allele origin: germline.
Comment: This sequence change replaces arginine, which is basic and polar, with glutamine, which is neutral and polar, at codon 342 of the GLA protein (p.Arg342Gln). This variant is not present in population databases (gnomAD no frequency). This missense change has been observed in individual(s) with Fabry disease (PMID: 8012363, 24626659). It has also been observed to segregate with disease in related individuals. ClinVar contains an entry for this variant (Variation ID: 10742). Invitae Evidence Modeling of protein sequence and biophysical properties (such as structural, functional, and spatial information, amino acid conservation, physicochemical variation, residue mobility, and thermodynamic stability) indicates that this missense variant is expected to disrupt GLA protein function with a positive predictive value of 80%. Experimental studies have shown that this missense change affects GLA function (PMID: 21598360, 23935525). For these reasons, this variant has been classified as Pathogenic.

GeneDx
Classification: Pathogenic. Last evaluated: 2025-07-17. Review status: criteria provided, single submitter. Criteria: GeneDx Variant Classification Process June 2021. Collection method: clinical testing. Allele origin: germline. Affected: yes.
Comment: Published functional studies demonstrate a damaging effect [in-vitro enzyme activity of 0% compared to wildtype] (PMID: 23935525, 21598360); Not observed at significant frequency in large population cohorts (gnomAD); In silico analysis supports that this missense variant has a deleterious effect on protein structure/function; This variant is associated with the following publications: (PMID: 26090373, 18424138, 32793709, 24582695, 11531972, 24334114, 21598360, 23935525, 25382311, 29487688, 25974833, 27657681, 22551898, 15806320, 28576916, 30477121, 31447099, 35338595, 32843101, 33598617, 33204599, 8012363, 24626659, 36873653, 20628902)

Revvity Omics, Revvity
Classification: Pathogenic. Last evaluated: 2022-05-12. Review status: criteria provided, single submitter. Criteria: ACMG Guidelines, 2015. Collection method: clinical testing. Allele origin: germline.

Fulgent Genetics
Classification: Pathogenic for Fabry disease. Last evaluated: 2021-10-25. Review status: criteria provided, single submitter. Criteria: ACMG Guidelines, 2015. Collection method: clinical testing. Allele origin: unknown.

Genome-Nilou Lab
Classification: Pathogenic for Fabry disease. Last evaluated: 2021-07-15. Review status: criteria provided, single submitter. Criteria: ACMG Guidelines, 2015. Collection method: clinical testing. Allele origin: germline. Affected: no.

Women's Health and Genetics/Laboratory Corporation of America, LabCorp
Classification: Pathogenic for Fabry disease. Last evaluated: 2021-05-04. Review status: criteria provided, single submitter. Criteria: LabCorp Variant Classification Summary - May 2015. Collection method: clinical testing. Allele origin: germline.
Comment: Variant summary: GLA c.1025G>A (p.Arg342Gln) results in a conservative amino acid change located in the Alpha galactosidase A, C-terminal beta-sandwich domain of the encoded protein sequence. Four of five in-silico tools predict a damaging effect of the variant on protein function. The variant was absent in 178226 control chromosomes. c.1025G>A has been reported in the literature in multiple individuals affected with Fabry Disease (example, Pasqualim_2014, Turaca_2012, Vedder_2008, Echevarria_2015, Hulkova_2010). These data indicate that the variant is very likely to be associated with disease. The variant has been shown to have significantly reduced GLA activity in both patients and in vitro studies (example, Vedder_2008, Wu_2011). Three clinical diagnostic laboratories have submitted clinical-significance assessments for this variant to ClinVar after 2014 without evidence for independent evaluation. All laboratories classified the variant as pathogenic. Based on the evidence outlined above, the variant was classified as pathogenic.

Human Genome Sequencing Center Clinical Lab, Baylor College of Medicine
Classification: Pathogenic for Fabry disease. Last evaluated: 2017-10-15. Review status: criteria provided, single submitter. Criteria: ACMG Guidelines, 2015. Collection method: clinical testing. Allele origin: germline.
Comment: This variant has been previously reported in patients with Fabry disease (PMID, 11531972, 18424138, 24626659, 2458695). Defects in GLA are the cause of Fabry disease [MIM:301500], an X-linked inborn error of glycosphingolipid catabolism resulting from deficient or absent activity of the lysosomal enzyme alpha-galactosidase A. Studies characterizing the effect of the c.1025G>A (p.R342Q) on GLA function have shown impaired GLA activity (PMID, 21598360, 23935525). Therefore, this variant is classified as a pathogenic variant in accordance with ACMG guidelines.

Eurofins Ntd Llc (ga)
Classification: Pathogenic. Last evaluated: 2017-10-03. Review status: criteria provided, single submitter. Criteria: EGL Classification Definitions 2015. Collection method: clinical testing. Allele origin: germline. Observed: 5 variant alleles, 1 heterozygote, 4 hemizygotes.

OMIM
Classification: Pathogenic for FABRY DISEASE. Last evaluated: 2001-07-01. Review status: no assertion criteria provided. Collection method: literature only. Allele origin: unknown. Not counted in ClinVar's aggregate classification.

Literature cited by the submitters: PubMed 24334114 (cited by Genomenon, Inc); PubMed 17160618 (cited by Genomenon, Inc); PubMed 15806320 (cited by Genomenon, Inc); PubMed 35338595 (cited by Genomenon, Inc); PubMed 17206462 (cited by Genomenon, Inc); PubMed 23566439 (cited by Genomenon, Inc); PubMed 24626659 (cited by Genomenon, Inc and Labcorp Genetics (formerly Invitae), Labcorp); PubMed 32793709 (cited by Genomenon, Inc); PubMed 27585509 (cited by Genomenon, Inc); PubMed 38002959 (cited by Genomenon, Inc); PubMed 32843101 (cited by Genomenon, Inc); PubMed 29098401 (cited by Genomenon, Inc); PubMed 33598617 (cited by Genomenon, Inc); PubMed 32023956 (cited by Genomenon, Inc); PubMed 21598360 (cited by 3 submitters); PubMed 27657681 (cited by Genomenon, Inc); PubMed 8012363 (cited by Labcorp Genetics (formerly Invitae), Labcorp); PubMed 23935525 (cited by Labcorp Genetics (formerly Invitae), Labcorp); PubMed 24582695 (cited by Women's Health and Genetics/Laboratory Corporation of America, LabCorp); PubMed 22551898 (cited by Women's Health and Genetics/Laboratory Corporation of America, LabCorp); PubMed 25974833 (cited by Women's Health and Genetics/Laboratory Corporation of America, LabCorp); PubMed 20628902 (cited by Women's Health and Genetics/Laboratory Corporation of America, LabCorp); PubMed 18424138 (cited by Women's Health and Genetics/Laboratory Corporation of America, LabCorp); deJong, J. G. N., Jansen, P. P. M., van den Berg, C. J. M. G., Hamel, B. C. J., Wevers, R. A., Ploos van Amstel, J. K. Genetic heterogeneity in Fabry's disease: mutations in the alpha-galactosidase A gene. Proceedings of the 2nd International Duodecim Symposium. Molecular Biology of Lysosomal Disease, Majik, Finland 1993. (cited by OMIM); PubMed 11531972 (cited by OMIM).

NM_000169.3(GLA):c.1025G>A (p.Arg342Gln)

Genes: GLA (galactosidase alpha; minus strand), RPL36A-HNRNPH2 (RPL36A-HNRNPH2 readthrough; plus strand). Cytogenetic location: Xq22.1.
Variant type: single nucleotide variant.
Coding change: c.1025G>A on transcript NM_000169.3 (MANE Select); coding-DNA position 1025, G replaced by A.
Protein change: p.Arg342Gln; replaces arginine 342 with glutamine.
Molecular consequence: missense variant. On other transcripts: non-coding transcript variant (3), intron variant (2).
Genome position (GRCh38, 1-based): chrX:101,398,074, C>T on the plus strand (G>A on the coding strand, the complement: GLA is on the minus strand). VCF-style: chrX-101398074-C-T. GRCh37 (hg19) VCF-style: chrX-100653062-C-T.
Other names: R342Q; c.1148G>A, p.Arg383Gln (NM_001406747.1); c.300+2617C>T (NM_001199973.2); c.177+6252C>T (NM_001199974.2); short protein forms R383Q.
Identifiers: ClinVar variation 10742 (VCV000010742.23), dbSNP rs28935493, ClinGen allele CA021326.